The following is an entry in ClinVar:

NM_002691.4(POLD1):c.1383+18G>A

Gene: POLD1 (DNA polymerase delta 1, catalytic subunit; plus strand). Cytogenetic location: 19q13.33.
Variant type: single nucleotide variant.
Coding change: c.1383+18G>A on transcript NM_002691.4 (MANE Select); 18 bases into the intron after coding-DNA position 1383, G replaced by A.
Molecular consequence: intron variant.
Genome position (GRCh38, 1-based): chr19:50,406,340, G>A. VCF-style: chr19-50406340-G-A. GRCh37 (hg19) VCF-style: chr19-50909597-G-A.
Other names: c.1383+18G>A (LRG_785t1, LRG_785t2, NM_001256849.1 and 1 more transcripts).
Identifiers: ClinVar variation 391009 (VCV000391009.8), dbSNP rs1057523943, ClinGen allele CA16608336.

ClinVar aggregate classification (germline): Likely benign. Review status: criteria provided, multiple submitters, no conflicts (2 of 4 stars). 2 submissions from 2 submitters: Likely benign (2). Last evaluated 2024-08-19.

Conditions:
POLD1-related polyposis and colorectal cancer syndrome (CRCS10). Also called: Colorectal cancer, susceptibility to, 10; Colorectal cancer 10; COLORECTAL CANCER, SUSCEPTIBILITY TO, ON CHROMOSOME 19q. Identifiers: Orphanet 220460, MedGen C2675481, MONDO:0012953, OMIM 612591.

Allele frequency attached by ClinVar (database versions not stated): gnomAD exomes below 0.00001; gnomAD 0.00001; TOPMed 0.00001.
gnomAD v4.1: 2 of 1,613,048 alleles (0.00012%); highest among the groups gnomAD compares: African/African-American, 0.0013%; no homozygotes.

Submissions (2):

Labcorp Genetics (formerly Invitae), Labcorp
Classification: Likely benign for POLD1-related polyposis and colorectal cancer syndrome. Last evaluated: 2024-08-19. Review status: criteria provided, single submitter. Criteria: Invitae Variant Classification Sherloc (09022015). Collection method: clinical testing. Allele origin: germline.

GeneDx
Classification: Likely benign. Last evaluated: 2016-11-11. Review status: criteria provided, single submitter. Criteria: GeneDx Variant Classification (06012015). Collection method: clinical testing. Allele origin: germline. Affected: yes.
Comment: This variant is considered likely benign or benign based on one or more of the following criteria: it is a conservative change, it occurs at a poorly conserved position in the protein, it is predicted to be benign by multiple in silico algorithms, and/or has population frequency not consistent with disease.